The following is an entry in ClinVar:

NM_001148.6(ANK2):c.11834T>C (p.Leu3945Ser)

Gene: ANK2 (ankyrin 2; plus strand). Cytogenetic location: 4q26.
Variant type: single nucleotide variant.
Coding change: c.11834T>C on transcript NM_001148.6 (MANE Select); coding-DNA position 11834, T replaced by C.
Protein change: p.Leu3945Ser; replaces leucine 3945 with serine.
Molecular consequence: missense variant. On other transcripts: intron variant (9).
Genome position (GRCh38, 1-based): chr4:113,373,424, T>C. VCF-style: chr4-113373424-T-C. GRCh37 (hg19) VCF-style: chr4-114294580-T-C.
Other names: c.5552T>C, p.Leu1851Ser (NM_001127493.3); c.5591T>C, p.Leu1864Ser (NM_001354225.2); c.5573T>C, p.Leu1858Ser (NM_001354228.2); c.5558T>C, p.Leu1853Ser (NM_001354230.2); c.5714T>C, p.Leu1905Ser (NM_001354231.2); c.5708T>C, p.Leu1903Ser (NM_001354232.2); c.5669T>C, p.Leu1890Ser (NM_001354235.2); c.5477T>C, p.Leu1826Ser (NM_001354236.2); and 50 more; short protein forms L1043S, L1699S, L1765S, L1782S, L1787S, L1789S, L1802S, L1805S.
Identifiers: ClinVar variation 3863919 (VCV003863919.1).

ClinVar aggregate classification (germline): Uncertain significance (1 of 4 stars; one submission).

Conditions:
Cardiovascular phenotype. Identifiers: MedGen CN230736.

Submission:

Ambry Genetics
Classification: Uncertain significance for Cardiovascular phenotype. Last evaluated: 2024-12-28. Review status: criteria provided, single submitter. Criteria: Ambry Variant Classification Scheme 2023. Collection method: clinical testing. Allele origin: germline.
Comment: The p.L3945S variant (also known as c.11834T>C), located in coding exon 45 of the ANK2 gene, results from a T to C substitution at nucleotide position 11834. The leucine at codon 3945 is replaced by serine, an amino acid with dissimilar properties. This amino acid position is conserved. In addition, this alteration is predicted to be deleterious by in silico analysis. Based on the available evidence, the clinical significance of this variant remains unclear.